The following is an entry in ClinVar:

NM_172107.4(KCNQ2):c.1763+1592G>A

Gene: KCNQ2 (potassium voltage-gated channel subfamily Q member 2; minus strand). Cytogenetic location: 20q13.33.
Variant type: single nucleotide variant.
Coding change: c.1763+1592G>A on transcript NM_172107.4 (MANE Select); 1592 bases into the intron after coding-DNA position 1763, G replaced by A.
Molecular consequence: intron variant. On other transcripts: synonymous variant (1).
Genome position (GRCh38, 1-based): chr20:63,411,858, C>T on the plus strand (G>A on the coding strand, the complement: KCNQ2 is on the minus strand). VCF-style: chr20-63411858-C-T. GRCh37 (hg19) VCF-style: chr20-62043211-C-T.
Other names: c.1734G>A, p.Pro578= (NM_001382235.1); c.1679+1592G>A (NM_004518.6); c.1670+1592G>A (NM_172108.5); c.1709+1592G>A (NM_172106.3).
Identifiers: ClinVar variation 2652530 (VCV002652530.24), dbSNP rs577170452, ClinGen allele CA9958270.

ClinVar aggregate classification (germline): Likely benign (1 of 4 stars; one submission).

Allele frequency attached by ClinVar (database versions not stated): gnomAD exomes 0.00030; ExAC 0.00050; gnomAD 0.00223; 1000 Genomes Project 0.00260; TOPMed 0.00266.
gnomAD v4.1: 513 of 708,002 alleles (0.072%); highest among the groups gnomAD compares: African/African-American, 0.77%; 4 homozygotes.

Submission:

CeGaT Center for Human Genetics Tuebingen
Classification: Likely benign. Last evaluated: 2026-03-01. Review status: criteria provided, single submitter. Criteria: CeGaT Center For Human Genetics Tuebingen Variant Classification Criteria Version 2. Collection method: clinical testing. Allele origin: germline. Affected: yes. Observed: 3 variant alleles.
Comment: KCNQ2: BP4, BP7, BS1